The following is an entry in ClinVar:

ClinVar aggregate classification (germline): Uncertain significance. Review status: criteria provided, multiple submitters, no conflicts (2 of 4 stars). 2 submissions from 2 submitters: Uncertain significance (2). Last evaluated 2023-03-02.

Conditions:
SLC9A9-related disorder. Also called: SLC9A9-related condition.

Allele frequency attached by ClinVar (database versions not stated): TOPMed below 0.00001; gnomAD 0.00001; gnomAD exomes 0.00001.
gnomAD v4.1: 15 of 1,614,012 alleles (0.00093%); highest among the groups gnomAD compares: East Asian, 0.0022%; no homozygotes.

Submissions (2):

Greenwood Genetic Center Diagnostic Laboratories, Greenwood Genetic Center
Classification: Uncertain significance. Last evaluated: 2023-03-02. Review status: criteria provided, single submitter. Criteria: ACMG Guidelines, 2015. Collection method: clinical testing. Allele origin: germline. Affected: yes.
Comment: No Applicable ACMG Criteria

PreventionGenetics, part of Exact Sciences
Classification: Uncertain significance for SLC9A9-related condition. Last evaluated: 2022-08-30. Review status: criteria provided, single submitter. Criteria: ACMG Guidelines, 2015. Collection method: clinical testing. Allele origin: germline.
Comment: The SLC9A9 c.1321C>T variant is predicted to result in premature protein termination (p.Arg441*). To our knowledge, this variant has not been reported in the literature. This variant is reported in 0.0055% of alleles in individuals of East Asian descent in gnomAD. At this time, the clinical significance of this variant is uncertain due to the absence of conclusive functional and genetic evidence.

NM_173653.4(SLC9A9):c.1321C>T (p.Arg441Ter)

Gene: SLC9A9 (solute carrier family 9 member A9; minus strand). Cytogenetic location: 3q24.
Variant type: single nucleotide variant.
Coding change: c.1321C>T on transcript NM_173653.4 (MANE Select); coding-DNA position 1321, C replaced by T.
Protein change: p.Arg441Ter; replaces arginine 441 with a stop codon.
Molecular consequence: nonsense.
Genome position (GRCh38, 1-based): chr3:143,467,185, G>A on the plus strand (C>T on the coding strand, the complement: SLC9A9 is on the minus strand). VCF-style: chr3-143467185-G-A. GRCh37 (hg19) VCF-style: chr3-143186027-G-A.
Other names: c.1321C>T (NM_173653.3); short protein forms R441*.
Identifiers: ClinVar variation 2505191 (VCV002505191.2), dbSNP rs866526285, ClinGen allele CA85244741.
Genomic context (GRCh38, chr3:143,467,185, plus strand): 5'-TCATTTGTTTGGGCTGAGATTCTGTGTTCCGAATAGCTAAGGCAAATGCGATCGCTCCTC[G>A]CAAACCTTGCAGGAAAAACCAAAGGAGAAAATAAATGCCTTGCAGGTGTCTTTTTCATTT-3'